The following is an entry in ClinVar:

NM_002691.4(POLD1):c.589+15A>G

Gene: POLD1 (DNA polymerase delta 1, catalytic subunit; plus strand). Cytogenetic location: 19q13.33.
Variant type: single nucleotide variant.
Coding change: c.589+15A>G on transcript NM_002691.4 (MANE Select); 15 bases into the intron after coding-DNA position 589, A replaced by G.
Molecular consequence: intron variant.
Genome position (GRCh38, 1-based): chr19:50,402,139, A>G. VCF-style: chr19-50402139-A-G. GRCh37 (hg19) VCF-style: chr19-50905396-A-G.
Other names: c.589+15A>G (NM_001256849.1, NM_001308632.1, LRG_785t2 and 1 more transcripts).
Identifiers: ClinVar variation 383724 (VCV000383724.1), dbSNP rs1057521716, ClinGen allele CA16609015.

ClinVar aggregate classification (germline): Likely benign (1 of 4 stars; one submission).

Submission:

GeneDx
Classification: Likely benign. Last evaluated: 2016-02-08. Review status: criteria provided, single submitter. Criteria: GeneDx Variant Classification (06012015). Collection method: clinical testing. Allele origin: germline. Affected: yes.
Comment: This variant is considered likely benign or benign based on one or more of the following criteria: it is a conservative change, it occurs at a poorly conserved position in the protein, it is predicted to be benign by multiple in silico algorithms, and/or has population frequency not consistent with disease.